The following is an entry in ClinVar:

ClinVar aggregate classification (germline): Uncertain significance (1 of 4 stars; one submission).

Conditions:
Progressive sclerosing poliodystrophy (MTDPS4A). Also called: NEURONAL DEGENERATION OF CHILDHOOD WITH LIVER DISEASE, PROGRESSIVE; ALPERS PROGRESSIVE INFANTILE POLIODYSTROPHY; Mitochondrial DNA Depletion Syndrome 4A; Alpers-Huttenlocher Syndrome (AHS); Alpers Syndrome; ALPERS DIFFUSE DEGENERATION OF CEREBRAL GRAY MATTER WITH HEPATIC CIRRHOSIS. Identifiers: Orphanet 726, MedGen C0205710, MONDO:0008758, OMIM 203700.

Submission:

Labcorp Genetics (formerly Invitae), Labcorp
Classification: Uncertain significance for Progressive sclerosing poliodystrophy. Last evaluated: 2019-07-30. Review status: criteria provided, single submitter. Criteria: Invitae Variant Classification Sherloc (09022015). Collection method: clinical testing. Allele origin: germline.
Comment: Algorithms developed to predict the effect of missense changes on protein structure and function are either unavailable or do not agree on the potential impact of this missense change (SIFT: "Tolerated"; PolyPhen-2: "Possibly Damaging"; Align-GVGD: "Class C0"). In summary, the available evidence is currently insufficient to determine the role of this variant in disease. Therefore, it has been classified as a Variant of Uncertain Significance. This variant has not been reported in the literature in individuals with POLG-related conditions. This variant is not present in population databases (ExAC no frequency). This sequence change replaces glutamic acid with glutamine at codon 1031 of the POLG protein (p.Glu1031Gln). The glutamic acid residue is moderately conserved and there is a small physicochemical difference between glutamic acid and glutamine.

NM_002693.3(POLG):c.3091G>C (p.Glu1031Gln)

Gene: POLG (DNA polymerase gamma, catalytic subunit; minus strand). Cytogenetic location: 15q26.1.
Variant type: single nucleotide variant.
Coding change: c.3091G>C on transcript NM_002693.3 (MANE Select); coding-DNA position 3091, G replaced by C.
Protein change: p.Glu1031Gln; replaces glutamic acid 1031 with glutamine.
Molecular consequence: missense variant.
Genome position (GRCh38, 1-based): chr15:89,319,241, C>G on the plus strand (G>C on the coding strand, the complement: POLG is on the minus strand). VCF-style: chr15-89319241-C-G. GRCh37 (hg19) VCF-style: chr15-89862472-C-G.
Other names: c.3091G>C, p.Glu1031Gln (NM_001126131.2); short protein forms E1031Q.
Identifiers: ClinVar variation 936399 (VCV000936399.10), dbSNP rs2055358274, ClinGen allele CA393751271.